The following is an entry in ClinVar:

NM_000051.4(ATM):c.3891T>G (p.Tyr1297Ter)

Gene: ATM (ATM serine/threonine kinase; plus strand). Cytogenetic location: 11q22.3.
Variant type: single nucleotide variant.
Coding change: c.3891T>G on transcript NM_000051.4 (MANE Select); coding-DNA position 3891, T replaced by G.
Protein change: p.Tyr1297Ter; replaces tyrosine 1297 with a stop codon.
Molecular consequence: nonsense.
Genome position (GRCh38, 1-based): chr11:108,284,371, T>G. VCF-style: chr11-108284371-T-G. GRCh37 (hg19) VCF-style: chr11-108155098-T-G.
Other names: c.3891T>G, p.Tyr1297Ter (NM_001351834.2); short protein forms Y1297*.
Identifiers: ClinVar variation 2703635 (VCV002703635.3), dbSNP rs2135707669, ClinGen allele CA382525506.

ClinVar aggregate classification (germline): Pathogenic (1 of 4 stars; one submission).

Conditions:
Ataxia-telangiectasia syndrome (AT). Also called: ATAXIA-TELANGIECTASIA, COMPLEMENTATION GROUP A; ATAXIA-TELANGIECTASIA, FRESNO VARIANT; Ataxia-telangiectasia, complementation group D; LOUIS-BAR SYNDROME; AT, COMPLEMENTATION GROUP C; Ataxia-telangiectasia. Identifiers: Orphanet 100, MedGen C0004135, MONDO:0008840, OMIM 208900.

Submission:

Labcorp Genetics (formerly Invitae), Labcorp
Classification: Pathogenic for Ataxia-telangiectasia syndrome. Last evaluated: 2023-12-17. Review status: criteria provided, single submitter. Criteria: Invitae Variant Classification Sherloc (09022015). Collection method: clinical testing. Allele origin: germline.
Comment: This sequence change creates a premature translational stop signal (p.Tyr1297*) in the ATM gene. It is expected to result in an absent or disrupted protein product. Loss-of-function variants in ATM are known to be pathogenic (PMID: 23807571, 25614872). This variant is not present in population databases (gnomAD no frequency). This variant has not been reported in the literature in individuals affected with ATM-related conditions. For these reasons, this variant has been classified as Pathogenic.

Literature cited by the submitters: PubMed 23807571; PubMed 25614872.